The following is an entry in ClinVar:

ClinVar aggregate classification (germline): Uncertain significance (1 of 4 stars; one submission).

Submission:

Labcorp Genetics (formerly Invitae), Labcorp
Classification: Uncertain significance. Last evaluated: 2025-05-31. Review status: criteria provided, single submitter. Criteria: Invitae Variant Classification Sherloc (09022015). Collection method: clinical testing. Allele origin: germline.
Comment: This sequence change is expected to alter the c-terminus of the LOX protein (p.Tyr417Glnfs*11). While this is not anticipated to result in nonsense mediated decay, it is expected to disrupt the last 2 amino acid(s) of the LOX protein and extend the protein by 9 additional amino acid residues. This variant is not present in population databases (gnomAD no frequency). This frameshift has been observed in individual(s) with LOX-related conditions (internal data). Experimental studies and prediction algorithms are not available or were not evaluated, and the functional significance of this variant is currently unknown. In summary, the available evidence is currently insufficient to determine the role of this variant in disease. Therefore, it has been classified as a Variant of Uncertain Significance.

NM_002317.7(LOX):c.1248_*206delinsACAAATG (p.Tyr417fs)

Genes: LOX (lysyl oxidase; minus strand), SRFBP1 (serum response factor binding protein 1; plus strand). Cytogenetic location: 5q23.1.
Variant type: Indel.
Coding change: c.1248_*206delinsACAAATG on transcript NM_002317.7 (MANE Select); coding-DNA position 1248 through 206 bases downstream of the stop codon, the reference bases replaced by ACAAATG.
Protein change: p.Tyr417fs; shifts the reading frame from tyrosine 417.
Molecular consequence: frameshift variant.
Genome position (GRCh38, 1-based): chr5:122,066,537-122,066,749, 213 bases replaced. GRCh37 (hg19): chr5:121,402,232-121,402,444.
Other names: c.558_*206delinsACAAATG, p.Tyr187fs (NM_001178102.2); c.357_*206delinsACAAATG, p.Tyr120fs (NM_001317073.1); short protein forms Y120fs, Y417fs, Y187fs.
Identifiers: ClinVar variation 4720534 (VCV004720534.1).